The following is an entry in ClinVar:

ClinVar aggregate classification (germline): Uncertain significance. Review status: criteria provided, multiple submitters, no conflicts (2 of 4 stars). 2 submissions from 2 submitters: Uncertain significance (2). Last evaluated 2025-08-22.

Conditions:
Inborn genetic diseases. Identifiers: MedGen C0950123, MeSH D030342.

Allele frequency attached by ClinVar (database versions not stated): ExAC 0.00003; ESP Exome Variant Server 0.00008; gnomAD 0.00009; TOPMed 0.00009.
gnomAD v4.1: 52 of 1,613,030 alleles (0.0032%); highest among the groups gnomAD compares: African/African-American, 0.027%; no homozygotes.

Submissions (2):

Ambry Genetics
Classification: Uncertain significance for Inborn genetic diseases. Last evaluated: 2025-08-22. Review status: criteria provided, single submitter. Criteria: Ambry Variant Classification Scheme 2023. Collection method: clinical testing. Allele origin: germline.

Labcorp Genetics (formerly Invitae), Labcorp
Classification: Uncertain significance. Last evaluated: 2024-11-05. Review status: criteria provided, single submitter. Criteria: Invitae Variant Classification Sherloc (09022015). Collection method: clinical testing. Allele origin: germline.
Comment: This sequence change replaces arginine, which is basic and polar, with cysteine, which is neutral and slightly polar, at codon 477 of the SLC17A8 protein (p.Arg477Cys). This variant is present in population databases (rs142178994, gnomAD 0.02%). This variant has not been reported in the literature in individuals affected with SLC17A8-related conditions. ClinVar contains an entry for this variant (Variation ID: 2400974). Invitae Evidence Modeling of protein sequence and biophysical properties (such as structural, functional, and spatial information, amino acid conservation, physicochemical variation, residue mobility, and thermodynamic stability) indicates that this missense variant is not expected to disrupt SLC17A8 protein function with a negative predictive value of 80%. In summary, the available evidence is currently insufficient to determine the role of this variant in disease. Therefore, it has been classified as a Variant of Uncertain Significance.

NM_139319.3(SLC17A8):c.1429C>T (p.Arg477Cys)

Gene: SLC17A8 (solute carrier family 17 member 8; plus strand). Cytogenetic location: 12q23.1.
Variant type: single nucleotide variant.
Coding change: c.1429C>T on transcript NM_139319.3 (MANE Select); coding-DNA position 1429, C replaced by T.
Protein change: p.Arg477Cys; replaces arginine 477 with cysteine.
Molecular consequence: missense variant.
Genome position (GRCh38, 1-based): chr12:100,419,818, C>T. VCF-style: chr12-100419818-C-T. GRCh37 (hg19) VCF-style: chr12-100813596-C-T.
Other names: c.1279C>T, p.Arg427Cys (NM_001145288.2); short protein forms R477C, R427C.
Identifiers: ClinVar variation 2400974 (VCV002400974.5), dbSNP rs142178994, ClinGen allele CA6739036.